The following is an entry in ClinVar:

NM_004006.3(DMD):c.832-186T>G

Gene: DMD (dystrophin; minus strand). Cytogenetic location: Xp21.1.
Variant type: single nucleotide variant.
Coding change: c.832-186T>G on transcript NM_004006.3 (MANE Select); 186 bases into the intron before coding-DNA position 832, T replaced by G.
Molecular consequence: intron variant.
Genome position (GRCh38, 1-based): chrX:32,698,184, A>C on the plus strand (T>G on the coding strand, the complement: DMD is on the minus strand). VCF-style: chrX-32698184-A-C. GRCh37 (hg19) VCF-style: chrX-32716301-A-C.
Other names: c.808-186T>G (NM_000109.4); c.820-186T>G (NM_004009.3); c.463-186T>G (NM_004010.3).
Identifiers: ClinVar variation 3062012 (VCV003062012.3), dbSNP rs2521123015, ClinGen allele CA2740092093.
Genomic context (GRCh38, chrX:32,698,184, plus strand): 5'-AATACTAAACATATATAAATGATATTCGAAATTGGTATACTCCCAGAATGAAGGCACTTA[A>C]TATCATGTTGGAGAGTAAATGATCTGGGAAGATATGAGCATGCTATTTAGCCATGAGGAT-3'

ClinVar aggregate classification (germline): Pathogenic (1 of 4 stars; one submission).

Conditions:
Duchenne muscular dystrophy (DMD). Also called: MUSCULAR DYSTROPHY, PSEUDOHYPERTROPHIC PROGRESSIVE, DUCHENNE TYPE; Duchenne Muscular Dystrophy (DMD). Identifiers: Orphanet 98896, MedGen C0013264, MONDO:0010679, OMIM 310200.

Submission:

Laboratorio de Biologia Molecular - Genetica, Hospital de Pediatria Garrahan
Classification: Pathogenic for Duchenne muscular dystrophy. Last evaluated: 2024-03-14. Review status: criteria provided, single submitter. Criteria: ACMG Guidelines, 2015. Collection method: clinical testing. Allele origin: maternal. Inheritance: X-linked recessive inheritance. Affected: yes. Observed: 1 hemizygote.
Comment: mRNA from muscle biopsy and subsequently cDNA Sanger sequencing revealed a pseudoexon inclusion between exon 8 and 9 that introduce a premature stop codon into the reading frame. gDNA sequencing of the pseudoexon and its flanking regions allowed to identified the variant c.832-186T>G which creates a cryptic donor splice site (5’ss) at the +1 position of the pseudoexon, recognizing the underlying mechanism causing the pseudoexon insertion. This variant is absent in population databases (Genome Aggregation Database, gnomAD v4.0.0) and disease-specific databases. This novel variant is classified as pathogenic according to the American College of Medical Genetics and Genomics guidelines (PVS1, PS3, PM2, and PP4).